The following is an entry in ClinVar:

NM_001371727.1(GABRB2):c.663G>C (p.Lys221Asn)

Gene: GABRB2 (gamma-aminobutyric acid type A receptor subunit beta2; minus strand). Cytogenetic location: 5q34.
Variant type: single nucleotide variant.
Coding change: c.663G>C on transcript NM_001371727.1 (MANE Select); coding-DNA position 663, G replaced by C.
Protein change: p.Lys221Asn; replaces lysine 221 with asparagine.
Molecular consequence: missense variant.
Genome position (GRCh38, 1-based): chr5:161,336,648, C>G on the plus strand (G>C on the coding strand, the complement: GABRB2 is on the minus strand). VCF-style: chr5-161336648-C-G. GRCh37 (hg19) VCF-style: chr5-160763655-C-G.
Other names: c.663G>C, p.Lys221Asn (NM_000813.3, NM_021911.3); c.663G>C (NM_021911.2); short protein forms K221N.
Identifiers: ClinVar variation 1043005 (VCV001043005.10), dbSNP rs777977171, ClinGen allele CA3543509.

ClinVar aggregate classification (germline): Uncertain significance. Review status: criteria provided, multiple submitters, no conflicts (2 of 4 stars). 2 submissions from 2 submitters: Uncertain significance (2). Last evaluated 2024-01-03.

Conditions:
Intellectual disability. Also called: Intellectual functioning disability; Intellectual developmental disorder; intellectual disabilities. Identifiers: MedGen C3714756, MeSH D008607, MONDO:0001071, HP:0001249.
Inborn genetic diseases. Identifiers: MedGen C0950123, MeSH D030342.

Allele frequency attached by ClinVar (database versions not stated): gnomAD exomes 0.00001; TOPMed below 0.00001; ExAC 0.00001.
gnomAD v4.1: 3 of 1,613,008 alleles (0.00019%); highest among the groups gnomAD compares: Non-Finnish European, 0.00025%; no homozygotes.

Submissions (2):

Ambry Genetics
Classification: Uncertain significance for Inborn genetic diseases. Last evaluated: 2024-01-03. Review status: criteria provided, single submitter. Criteria: Ambry Variant Classification Scheme 2023. Collection method: clinical testing. Allele origin: germline.

Labcorp Genetics (formerly Invitae), Labcorp
Classification: Uncertain significance for Intellectual disability. Last evaluated: 2023-02-20. Review status: criteria provided, single submitter. Criteria: Invitae Variant Classification Sherloc (09022015). Collection method: clinical testing. Allele origin: germline.
Comment: This sequence change replaces lysine, which is basic and polar, with asparagine, which is neutral and polar, at codon 221 of the GABRB2 protein (p.Lys221Asn). This variant is not present in population databases (gnomAD no frequency). This variant has not been reported in the literature in individuals affected with GABRB2-related conditions. ClinVar contains an entry for this variant (Variation ID: 1043005). Advanced modeling of protein sequence and biophysical properties (such as structural, functional, and spatial information, amino acid conservation, physicochemical variation, residue mobility, and thermodynamic stability) performed at Invitae indicates that this missense variant is not expected to disrupt GABRB2 protein function. In summary, the available evidence is currently insufficient to determine the role of this variant in disease. Therefore, it has been classified as a Variant of Uncertain Significance.